The following is an entry in ClinVar:

ClinVar aggregate classification (germline): Uncertain significance (1 of 4 stars; one submission).

Conditions:
Hyper-IgE recurrent infection syndrome 1, autosomal dominant. Also called: JOB SYNDROME; HYPER-IgE SYNDROME 1, AUTOSOMAL DOMINANT, WITH RECURRENT INFECTIONS; Job's Syndrome; STAT3 Hyper IgE Syndrome; Hyper-IgE recurrent infection syndrome 1. Identifiers: Orphanet 2314, MedGen C2936739, MONDO:0007818, OMIM 147060.
STAT3 gain of function. Identifiers: MedGen C4288261.

Submission:

Labcorp Genetics (formerly Invitae), Labcorp
Classification: Uncertain significance for STAT3 gain of function; Hyper-IgE recurrent infection syndrome 1, autosomal dominant. Last evaluated: 2022-05-01. Review status: criteria provided, single submitter. Criteria: Invitae Variant Classification Sherloc (09022015). Collection method: clinical testing. Allele origin: germline.
Comment: This variant has not been reported in the literature in individuals affected with STAT3-related conditions. In summary, the available evidence is currently insufficient to determine the role of this variant in disease. Therefore, it has been classified as a Variant of Uncertain Significance. Advanced modeling of protein sequence and biophysical properties (such as structural, functional, and spatial information, amino acid conservation, physicochemical variation, residue mobility, and thermodynamic stability) performed at Invitae indicates that this missense variant is not expected to disrupt STAT3 protein function. This variant is not present in population databases (gnomAD no frequency). This sequence change replaces glutamine, which is neutral and polar, with proline, which is neutral and non-polar, at codon 128 of the STAT3 protein (p.Gln128Pro).

NM_139276.3(STAT3):c.383A>C (p.Gln128Pro)

Gene: STAT3 (signal transducer and activator of transcription 3; minus strand). Cytogenetic location: 17q21.2.
Variant type: single nucleotide variant.
Coding change: c.383A>C on transcript NM_139276.3 (MANE Select); coding-DNA position 383, A replaced by C.
Protein change: p.Gln128Pro; replaces glutamine 128 with proline.
Molecular consequence: missense variant. On other transcripts: intron variant (1).
Genome position (GRCh38, 1-based): chr17:42,339,399, T>G on the plus strand (A>C on the coding strand, the complement: STAT3 is on the minus strand). VCF-style: chr17-42339399-T-G. GRCh37 (hg19) VCF-style: chr17-40491417-T-G.
Other names: c.383A>C, p.Gln128Pro (NM_001369512.1, NM_001369513.1, NM_001369514.1 and 15 more transcripts); c.305A>C, p.Gln102Pro (NM_001384985.1); c.373-587A>C (NM_001384989.1); short protein forms Q102P, Q128P.
Identifiers: ClinVar variation 2066218 (VCV002066218.4), dbSNP rs2509457222, ClinGen allele CA399595241.
Genomic context (GRCh38, chr17:42,339,399, plus strand): 5'-AGGTGCTGCTCCAGCATCTGCTGCTTCTCCGTCACCACGGCTGCTGTGGGGTGGTTGGCC[T>G]GGCCCCCTTGCTGCCAAAAAGGAGGTCAATGCACATGTGAACACAGAACTATGGGGAGAG-3'
Protein context (NP_644805.1, residues 118-138): TAATAAQQGG[Gln128Pro]ANHPTAAVVT